The following is an entry in ClinVar:

NM_001040108.2(MLH3):c.881T>G (p.Leu294Arg)

Gene: MLH3 (mutL homolog 3; minus strand). Cytogenetic location: 14q24.3.
Variant type: single nucleotide variant.
Coding change: c.881T>G on transcript NM_001040108.2 (MANE Select); coding-DNA position 881, T replaced by G.
Protein change: p.Leu294Arg; replaces leucine 294 with arginine.
Molecular consequence: missense variant.
Genome position (GRCh38, 1-based): chr14:75,048,775, A>C on the plus strand (T>G on the coding strand, the complement: MLH3 is on the minus strand). VCF-style: chr14-75048775-A-C. GRCh37 (hg19) VCF-style: chr14-75515478-A-C.
Other names: c.881T>G, p.Leu294Arg (NM_014381.3); short protein forms L294R.
Identifiers: ClinVar variation 2448657 (VCV002448657.2), dbSNP rs2139596221, ClinGen allele CA390448825.

ClinVar aggregate classification (germline): Uncertain significance (1 of 4 stars; one submission).

Submission:

Ambry Genetics
Classification: Uncertain significance. Last evaluated: 2023-01-28. Review status: criteria provided, single submitter. Criteria: Ambry Variant Classification Scheme 2023. Collection method: clinical testing. Allele origin: germline.
Comment: The p.L294R variant (also known as c.881T>G), located in coding exon 1 of the MLH3 gene, results from a T to G substitution at nucleotide position 881. The leucine at codon 294 is replaced by arginine, an amino acid with dissimilar properties. This amino acid position is conserved. In addition, this alteration is predicted to be tolerated by in silico analysis. Since supporting evidence is limited at this time, the clinical significance of this alteration remains unclear.